The following is an entry in ClinVar:

NM_014956.5(CEP164):c.1552C>T (p.Leu518Phe)

Gene: CEP164 (centrosomal protein 164; plus strand). Cytogenetic location: 11q23.3.
Variant type: single nucleotide variant.
Coding change: c.1552C>T on transcript NM_014956.5 (MANE Select); coding-DNA position 1552, C replaced by T.
Protein change: p.Leu518Phe; replaces leucine 518 with phenylalanine.
Molecular consequence: missense variant.
Genome position (GRCh38, 1-based): chr11:117,381,843, C>T. VCF-style: chr11-117381843-C-T. GRCh37 (hg19) VCF-style: chr11-117252559-C-T.
Other names: c.1561C>T, p.Leu521Phe (NM_001271933.2); short protein forms L518F, L521F.
Identifiers: ClinVar variation 1446974 (VCV001446974.4), dbSNP rs2043350919, ClinGen allele CA382743245.

ClinVar aggregate classification (germline): Uncertain significance (1 of 4 stars; one submission).

Conditions:
Nephronophthisis 15 (NPHP15). Identifiers: Orphanet 3156, MedGen C3541853, MONDO:0013917, OMIM 614845.

Allele frequency attached by ClinVar (database versions not stated): gnomAD exomes below 0.00001.

Submission:

Labcorp Genetics (formerly Invitae), Labcorp
Classification: Uncertain significance for Nephronophthisis 15. Last evaluated: 2023-11-13. Review status: criteria provided, single submitter. Criteria: Invitae Variant Classification Sherloc (09022015). Collection method: clinical testing. Allele origin: germline.
Comment: This sequence change replaces leucine, which is neutral and non-polar, with phenylalanine, which is neutral and non-polar, at codon 518 of the CEP164 protein (p.Leu518Phe). This variant is not present in population databases (gnomAD no frequency). This variant has not been reported in the literature in individuals affected with CEP164-related conditions. ClinVar contains an entry for this variant (Variation ID: 1446974). An algorithm developed to predict the effect of missense changes on protein structure and function (PolyPhen-2) suggests that this variant¬†is likely to be tolerated. In summary, the available evidence is currently insufficient to determine the role of this variant in disease. Therefore, it has been classified as a Variant of Uncertain Significance.